The following is an entry in ClinVar:

NM_003742.4(ABCB11):c.124G>A (p.Gly42Ser)

Gene: ABCB11 (ATP binding cassette subfamily B member 11; minus strand). Cytogenetic location: 2q31.1.
Variant type: single nucleotide variant.
Coding change: c.124G>A on transcript NM_003742.4 (MANE Select); coding-DNA position 124, G replaced by A.
Protein change: p.Gly42Ser; replaces glycine 42 with serine.
Molecular consequence: missense variant.
Genome position (GRCh38, 1-based): chr2:169,014,329, C>T on the plus strand (G>A on the coding strand, the complement: ABCB11 is on the minus strand). VCF-style: chr2-169014329-C-T. GRCh37 (hg19) VCF-style: chr2-169870839-C-T.
Other names: short protein forms G42S.
Identifiers: ClinVar variation 4846024 (VCV004846024.1).

ClinVar aggregate classification (germline): Uncertain significance (1 of 4 stars; one submission).

Conditions:
Familial intrahepatic cholestasis. Identifiers: Orphanet 284385, MedGen CN296401, MONDO:0017290.

Submission:

Genomenon, Inc
Classification: Uncertain significance for Familial intrahepatic cholestasis. Last evaluated: 2026-04-14. Review status: criteria provided, single submitter. Criteria: Genomenon Sequence Variant Interpretation Standards - Updated. Collection method: curation. Allele origin: germline. Affected: yes.
Comment: ABCB11 p.Gly42Ser (c.124G>A) is a missense variant that changes the amino acid at residue 42 from Glycine to Serine. This variant has been observed in at least one proband with an ABCB11-related disorder (PMID:26640927). It is absent or not present at a significant frequency in gnomAD. In silico models predict that this variant is possibly or probably damaging. In conclusion, we classify ABCB11 p.Gly42Ser (c.124G>A) as a variant of uncertain significance.

Literature cited by the submitters: PubMed 26640927.